The following is an entry in ClinVar:

NM_000051.4(ATM):c.3755A>T (p.Tyr1252Phe)

Gene: ATM (ATM serine/threonine kinase; plus strand). Cytogenetic location: 11q22.3.
Variant type: single nucleotide variant.
Coding change: c.3755A>T on transcript NM_000051.4 (MANE Select); coding-DNA position 3755, A replaced by T.
Protein change: p.Tyr1252Phe; replaces tyrosine 1252 with phenylalanine.
Molecular consequence: missense variant.
Genome position (GRCh38, 1-based): chr11:108,284,235, A>T. VCF-style: chr11-108284235-A-T. GRCh37 (hg19) VCF-style: chr11-108154962-A-T.
Other names: c.3755A>T, p.Tyr1252Phe (NM_001351834.2); short protein forms Y1252F.
Identifiers: ClinVar variation 1495049 (VCV001495049.6), dbSNP rs2135704378, ClinGen allele CA382524261.

ClinVar aggregate classification (germline): Uncertain significance (1 of 4 stars; one submission).

Conditions:
Ataxia-telangiectasia syndrome (AT). Also called: LOUIS-BAR SYNDROME; Ataxia-telangiectasia; Cerebello-oculocutaneous telangiectasia; Immunodeficiency with ataxia telangiectasia; ATAXIA-TELANGIECTASIA, COMPLEMENTATION GROUP A; ATAXIA-TELANGIECTASIA, FRESNO VARIANT. Identifiers: Orphanet 100, MedGen C0004135, MONDO:0008840, OMIM 208900.

Submission:

Labcorp Genetics (formerly Invitae), Labcorp
Classification: Uncertain significance for Ataxia-telangiectasia syndrome. Last evaluated: 2025-10-13. Review status: criteria provided, single submitter. Criteria: Invitae Variant Classification Sherloc (09022015). Collection method: clinical testing. Allele origin: germline.
Comment: This sequence change replaces tyrosine, which is neutral and polar, with phenylalanine, which is neutral and non-polar, at codon 1252 of the ATM protein (p.Tyr1252Phe). This variant is not present in population databases (gnomAD no frequency). This variant has not been reported in the literature in individuals affected with ATM-related conditions. ClinVar contains an entry for this variant (Variation ID: 1495049). Invitae Evidence Modeling of protein sequence and biophysical properties (such as structural, functional, and spatial information, amino acid conservation, physicochemical variation, residue mobility, and thermodynamic stability) indicates that this missense variant is not expected to disrupt ATM protein function with a negative predictive value of 95%. In summary, the available evidence is currently insufficient to determine the role of this variant in disease. Therefore, it has been classified as a Variant of Uncertain Significance.